The following is an entry in ClinVar:

NM_000138.5(FBN1):c.2559C>A (p.Cys853Ter)

Gene: FBN1 (fibrillin 1; minus strand). Cytogenetic location: 15q21.1.
Variant type: single nucleotide variant.
Coding change: c.2559C>A on transcript NM_000138.5 (MANE Select); coding-DNA position 2559, C replaced by A.
Protein change: p.Cys853Ter; replaces cysteine 853 with a stop codon.
Molecular consequence: nonsense.
Genome position (GRCh38, 1-based): chr15:48,495,241, G>T on the plus strand (C>A on the coding strand, the complement: FBN1 is on the minus strand). VCF-style: chr15-48495241-G-T. GRCh37 (hg19) VCF-style: chr15-48787438-G-T.
Other names: short protein forms C853*.
Identifiers: ClinVar variation 938696 (VCV000938696.10), dbSNP rs111981744, ClinGen allele CA269538149.

ClinVar aggregate classification (germline): Pathogenic. Review status: criteria provided, multiple submitters, no conflicts (2 of 4 stars). 2 submissions from 2 submitters: Pathogenic (2). Last evaluated 2024-05-28.

Conditions:
Familial thoracic aortic aneurysm and aortic dissection (TAAD). Also called: Thoracic aortic aneurysms and dissections. Identifiers: Orphanet 91387, MedGen C4707243, MONDO:0019625.
Marfan syndrome (MFS). Also called: Marfan syndrome, classic; Marfan syndrome type 1; Marfan's syndrome; FBN1-Related Marfan Syndrome; MARFAN SYNDROME, TYPE I. Identifiers: Orphanet 284963, Orphanet 558, MedGen C0024796, MONDO:0007947, OMIM 154700.
Marfan Syndrome/Loeys-Dietz Syndrome/Familial Thoracic Aortic Aneurysms and Dissections. Identifiers: MedGen CN229799.

Submissions (2):

Women's Health and Genetics/Laboratory Corporation of America, LabCorp
Classification: Pathogenic for Marfan Syndrome/Loeys-Dietz Syndrome/Familial Thoracic Aortic Aneurysms and Dissections. Last evaluated: 2024-05-28. Review status: criteria provided, single submitter. Criteria: LabCorp Variant Classification Summary - May 2015. Collection method: clinical testing. Allele origin: germline.
Comment: Variant summary: FBN1 c.2559C>A (p.Cys853X) results in a premature termination codon, predicted to cause a truncation of the encoded protein or absence of the protein due to nonsense mediated decay, which are commonly known mechanisms for disease. The variant was absent in 251376 control chromosomes. c.2559C>A has been reported in the literature in at least one individual affected with Marfan Syndrome (Howarth_2007, Turner_2009). This data suggests that this variant is likely associated with disease. To our knowledge, no experimental evidence demonstrating an impact on protein function has been reported. The following publications have been ascertained in the context of this evaluation (PMID: 17627385, 19161152). ClinVar contains an entry for this variant (Variation ID: 938696). Based on the evidence outlined above, the variant was classified as pathogenic.

Labcorp Genetics (formerly Invitae), Labcorp
Classification: Pathogenic for Marfan syndrome; Familial thoracic aortic aneurysm and aortic dissection. Last evaluated: 2020-09-13. Review status: criteria provided, single submitter. Criteria: Invitae Variant Classification Sherloc (09022015). Collection method: clinical testing. Allele origin: germline.
Comment: For these reasons, this variant has been classified as Pathogenic. Loss-of-function variants in FBN1 are known to be pathogenic (PMID: 17657824, 19293843). This variant has been observed in an individual with clinical features of Marfan syndrome (PMID: 17627385, 19161152). ClinVar contains an entry for this variant (Variation ID: 938696). This variant is not present in population databases (ExAC no frequency). This sequence change creates a premature translational stop signal (p.Cys853*) in the FBN1 gene. It is expected to result in an absent or disrupted protein product.

Literature cited by the submitters: PubMed 17627385 (cited by Women's Health and Genetics/Laboratory Corporation of America, LabCorp and Labcorp Genetics (formerly Invitae), Labcorp); PubMed 19161152 (cited by Women's Health and Genetics/Laboratory Corporation of America, LabCorp and Labcorp Genetics (formerly Invitae), Labcorp); PubMed 17657824 (cited by Labcorp Genetics (formerly Invitae), Labcorp); PubMed 19293843 (cited by Labcorp Genetics (formerly Invitae), Labcorp).